The following is an entry in ClinVar:

ClinVar aggregate classification (germline): Uncertain significance. Review status: criteria provided, multiple submitters, no conflicts (2 of 4 stars). 3 submissions from 3 submitters: Uncertain significance (3). Last evaluated 2026-01-28.

Conditions:
DDX41-related hematologic malignancy predisposition syndrome. Also called: DDX41-Associated Familial Myelodysplastic Syndrome and Acute Myeloid Leukemia; Myeloproliferative/lymphoproliferative neoplasms, familial (multiple types), susceptibility to. Identifiers: Orphanet 488647, MedGen C4225174, MONDO:0014809, OMIM 616871.
Inborn genetic diseases. Identifiers: MedGen C0950123, MeSH D030342.

Allele frequency attached by ClinVar (database versions not stated): gnomAD 0.00001; gnomAD exomes 0.00001; ExAC 0.00002.

Submissions (3):

Labcorp Genetics (formerly Invitae), Labcorp
Classification: Uncertain significance. Last evaluated: 2026-01-28. Review status: criteria provided, single submitter. Criteria: Invitae Variant Classification Sherloc (09022015). Collection method: clinical testing. Allele origin: germline.
Comment: This sequence change replaces arginine, which is basic and polar, with cysteine, which is neutral and slightly polar, at codon 162 of the DDX41 protein (p.Arg162Cys). This variant is present in population databases (rs766175686, gnomAD 0.006%). This missense change has been observed in individual(s) with clinical features of DDX41-related conditions (PMID: 36322930, 37506341, 37665752). ClinVar contains an entry for this variant (Variation ID: 1968419). An algorithm developed to predict the effect of missense changes on protein structure and function (PolyPhen-2) suggests that this variant is likely to be disruptive. In summary, the available evidence is currently insufficient to determine the role of this variant in disease. Therefore, it has been classified as a Variant of Uncertain Significance.

Ambry Genetics
Classification: Uncertain significance for Inborn genetic diseases. Last evaluated: 2025-01-02. Review status: criteria provided, single submitter. Criteria: Ambry Variant Classification Scheme 2023. Collection method: clinical testing. Allele origin: germline.
Comment: The p.R162C variant (also known as c.484C>T), located in coding exon 6 of the DDX41 gene, results from a C to T substitution at nucleotide position 484. The arginine at codon 162 is replaced by cysteine, an amino acid with highly dissimilar properties. This amino acid position is highly conserved in available vertebrate species. In addition, the in silico prediction for this alteration is inconclusive. Based on the available evidence, the clinical significance of this variant remains unclear.

Baylor Genetics
Classification: Uncertain significance for DDX41-related hematologic malignancy predisposition syndrome. Last evaluated: 2024-01-18. Review status: criteria provided, single submitter. Criteria: ACMG Guidelines, 2015. Collection method: clinical testing. Allele origin: unknown.

Literature cited by the submitters: PubMed 36322930 (cited by Labcorp Genetics (formerly Invitae), Labcorp); PubMed 37506341 (cited by Labcorp Genetics (formerly Invitae), Labcorp); PubMed 37665752 (cited by Labcorp Genetics (formerly Invitae), Labcorp).

NM_016222.4(DDX41):c.484C>T (p.Arg162Cys)

Gene: DDX41 (DEAD-box helicase 41; minus strand). Cytogenetic location: 5q35.3.
Variant type: single nucleotide variant.
Coding change: c.484C>T on transcript NM_016222.4 (MANE Select); coding-DNA position 484, C replaced by T.
Protein change: p.Arg162Cys; replaces arginine 162 with cysteine.
Molecular consequence: missense variant.
Genome position (GRCh38, 1-based): chr5:177,515,772, G>A on the plus strand (C>T on the coding strand, the complement: DDX41 is on the minus strand). VCF-style: chr5-177515772-G-A. GRCh37 (hg19) VCF-style: chr5-176942773-G-A.
Other names: c.106C>T, p.Arg36Cys (NM_001321732.2, NM_001321830.2); c.484C>T (NM_016222.2); short protein forms R36C, R162C.
Identifiers: ClinVar variation 1968419 (VCV001968419.8), dbSNP rs766175686, ClinGen allele CA3585186.